The following is an entry in ClinVar:

ClinVar aggregate classification (germline): Benign/Likely benign. Review status: criteria provided, multiple submitters, no conflicts (2 of 4 stars). 6 submissions from 6 submitters: Benign (3); Likely benign (2). 1 of the submissions does not count toward it. Last evaluated 2026-01-20.

Conditions:
GJB3-related disorder. Also called: GJB3-related condition.

Allele frequency attached by ClinVar (database versions not stated): ESP Exome Variant Server 0.00015; TOPMed 0.00046.

Submissions (6):

Labcorp Genetics (formerly Invitae), Labcorp
Classification: Benign. Last evaluated: 2026-01-20. Review status: criteria provided, single submitter. Criteria: Invitae Variant Classification Sherloc (09022015). Collection method: clinical testing. Allele origin: germline.

Blueprint Genetics
Classification: Likely benign. Last evaluated: 2024-08-08. Review status: criteria provided, single submitter. Criteria: ACMG Guidelines, 2015. Collection method: clinical testing. Allele origin: germline.

ARUP Laboratories, Molecular Genetics and Genomics, ARUP Laboratories
Classification: Likely benign. Last evaluated: 2022-10-21. Review status: criteria provided, single submitter. Criteria: ARUP Molecular Germline Variant Investigation Process 2021. Collection method: clinical testing. Allele origin: germline.

GeneDx
Classification: Benign. Last evaluated: 2019-08-30. Review status: criteria provided, single submitter. Criteria: GeneDx Variant Classification Process June 2021. Collection method: clinical testing. Allele origin: germline. Affected: yes.

Laboratory for Molecular Medicine, Mass General Brigham Personalized Medicine
Classification: Benign. Last evaluated: 2015-02-26. Review status: criteria provided, single submitter. Criteria: LMM Criteria. Collection method: clinical testing. Allele origin: germline. Observed: 1 variant allele.
Comment: p.Val37Met in exon 2 of GJB3: This variant is not expected to have clinical sign ificance because it has been identified in 0.7% (75/11566) of Latino chromosomes by the Exome Aggregation Consortium (ExAC; dbSN P rs148388884).

PreventionGenetics, part of Exact Sciences
Classification: Likely benign for GJB3-related condition. Last evaluated: 2019-08-28. Review status: no assertion criteria provided. Collection method: clinical testing. Allele origin: germline. Not counted in ClinVar's aggregate classification.
Comment: This variant is classified as likely benign based on ACMG/AMP sequence variant interpretation guidelines (Richards et al. 2015 PMID: 25741868, with internal and published modifications).

NM_024009.3(GJB3):c.109G>A (p.Val37Met)

Gene: GJB3 (gap junction protein beta 3; plus strand). Cytogenetic location: 1p34.3.
Variant type: single nucleotide variant.
Coding change: c.109G>A on transcript NM_024009.3 (MANE Select); coding-DNA position 109, G replaced by A.
Protein change: p.Val37Met; replaces valine 37 with methionine.
Molecular consequence: missense variant.
Genome position (GRCh38, 1-based): chr1:34,784,871, G>A. VCF-style: chr1-34784871-G-A. GRCh37 (hg19) VCF-style: chr1-35250472-G-A.
Other names: c.109G>A, p.Val37Met (NM_001005752.2); short protein forms V37M.
Identifiers: ClinVar variation 226643 (VCV000226643.27), dbSNP rs148388884, ClinGen allele CA754747.